The following is an entry in ClinVar:

ClinVar aggregate classification (germline): Uncertain significance (1 of 4 stars; one submission).

Allele frequency attached by ClinVar (database versions not stated): TOPMed below 0.00001; ExAC 0.00001; gnomAD 0.00001; gnomAD exomes 0.00001.
gnomAD v4.1: 9 of 1,579,632 alleles (0.00057%); highest among the groups gnomAD compares: Non-Finnish European, 0.00052%; no homozygotes.

Submission:

Ambry Genetics
Classification: Uncertain significance. Last evaluated: 2022-09-26. Review status: criteria provided, single submitter. Criteria: Ambry Variant Classification Scheme 2023. Collection method: clinical testing. Allele origin: germline.
Comment: The p.V2210M variant (also known as c.6628G>A), located in coding exon 22 of the POLQ gene, results from a G to A substitution at nucleotide position 6628. The valine at codon 2210 is replaced by methionine, an amino acid with highly similar properties. This amino acid position is conserved. In addition, this alteration is predicted to be tolerated by in silico analysis. Since supporting evidence is limited at this time, the clinical significance of this alteration remains unclear.

NM_199420.4(POLQ):c.6628G>A (p.Val2210Met)

Gene: POLQ (DNA polymerase theta; minus strand). Cytogenetic location: 3q13.33.
Variant type: single nucleotide variant.
Coding change: c.6628G>A on transcript NM_199420.4 (MANE Select); coding-DNA position 6628, G replaced by A.
Protein change: p.Val2210Met; replaces valine 2210 with methionine.
Molecular consequence: missense variant.
Genome position (GRCh38, 1-based): chr3:121,472,080, C>T on the plus strand (G>A on the coding strand, the complement: POLQ is on the minus strand). VCF-style: chr3-121472080-C-T. GRCh37 (hg19) VCF-style: chr3-121190927-C-T.
Other names: short protein forms V2210M.
Identifiers: ClinVar variation 1754548 (VCV001754548.2), dbSNP rs765425231, ClinGen allele CA2562417.